The following is an entry in ClinVar:

Conditions:
Breast-ovarian cancer, familial, susceptibility to, 1 (BROVCA1). Also called: BRCA1 Hereditary Breast and Ovarian Cancer; OVARIAN CANCER, SUSCEPTIBILITY TO. Identifiers: Orphanet 145, MedGen C2676676, MONDO:0011450, OMIM 604370. Disease mechanism: loss of function.

Submission:

Brotman Baty Institute, University of Washington
No classification provided (evidence only). Condition: Breast-ovarian cancer, familial 1. Review status: no classification provided. Collection method: in vitro. Allele origin: not applicable. Functional consequence: functionally_normal.
ClinVar note: "not provided" was previously submitted as the classification for the variant. However, the classification appeared to be based only on an observation of functional data so it was converted to no classification on 2025-07-30.

NM_007294.4(BRCA1):c.4927A>C (p.Thr1643Pro)

Gene: BRCA1 (BRCA1 DNA repair associated; minus strand). Cytogenetic location: 17q21.31.
Variant type: single nucleotide variant.
Coding change: c.4927A>C on transcript NM_007294.4 (MANE Select); coding-DNA position 4927, A replaced by C.
Protein change: p.Thr1643Pro; replaces threonine 1643 with proline.
Molecular consequence: missense variant. On other transcripts: non-coding transcript variant (1).
Genome position (GRCh38, 1-based): chr17:43,070,987, T>G on the plus strand (A>C on the coding strand, the complement: BRCA1 is on the minus strand). VCF-style: chr17-43070987-T-G. GRCh37 (hg19) VCF-style: chr17-41223004-T-G.
Other names: c.4714A>C, p.Thr1572Pro (NM_001407571.1, NM_001407894.1, NM_001407895.1 and 12 more transcripts); c.4993A>C, p.Thr1665Pro (NM_001407581.1, NM_001407582.1); c.4990A>C, p.Thr1664Pro (NM_001407583.1, NM_001407585.1, NM_001407587.1 and 1 more transcripts); c.4987A>C, p.Thr1663Pro (NM_001407590.1, NM_001407591.1); c.4927A>C, p.Thr1643Pro (NM_001407593.1, NM_001407594.1, NM_001407596.1 and 8 more transcripts); c.4924A>C, p.Thr1642Pro (NM_001407620.1, NM_001407621.1, NM_001407622.1 and 17 more transcripts); c.4921A>C, p.Thr1641Pro (NM_001407627.1, NM_001407628.1, NM_001407639.1 and 14 more transcripts); c.4918A>C, p.Thr1640Pro (NM_001407644.1, NM_001407645.1); and 70 more; short protein forms T1596P, T1643P, T1664P, T539P, T1515P, T1553P, T1555P, T1594P.
Identifiers: ClinVar variation 865424 (VCV000865424.3), dbSNP rs2052375713, ClinGen allele CA10591669.